The following is an entry in ClinVar:

ClinVar aggregate classification (germline): Uncertain significance. Review status: criteria provided, multiple submitters, no conflicts (2 of 4 stars). 3 submissions from 3 submitters: Uncertain significance (2). 1 of the submissions does not count toward it. Last evaluated 2024-11-08.

Conditions:
SERPING1-related disorder. Also called: SERPING1-related condition.
Hereditary angioedema type 1 (HAE1). Identifiers: Orphanet 100050, Orphanet 100051, Orphanet 91378, MedGen C2717906, MONDO:0015053, OMIM 106100.

Allele frequency attached by ClinVar (database versions not stated): 1000 Genomes Project 30x 0.00016; TOPMed 0.00103; 1000 Genomes Project 0.00020.

Submissions (3):

Blueprint Genetics
Classification: Uncertain significance. Last evaluated: 2024-11-08. Review status: criteria provided, single submitter. Criteria: ACMG Guidelines, 2015. Collection method: clinical testing. Allele origin: germline.

Illumina Laboratory Services, Illumina
Classification: Uncertain significance for Hereditary angioedema type 1. Last evaluated: 2017-04-28. Review status: criteria provided, single submitter. Criteria: ICSL Variant Classification Criteria 13 December 2019. Collection method: clinical testing. Allele origin: germline.
Comment: This variant was observed as part of a predisposition screen in an ostensibly healthy population. A literature search was performed for the gene, cDNA change, and amino acid change (where applicable). Publications were found based on this search. However, the evidence from the literature, in combination with allele frequency data from public databases where available, was not sufficient to rule this variant in or out of causing disease. Therefore, this variant is classified as a variant of unknown significance.

PreventionGenetics, part of Exact Sciences
Classification: Benign for SERPING1-related condition. Last evaluated: 2019-09-24. Review status: no assertion criteria provided. Collection method: clinical testing. Allele origin: germline. Not counted in ClinVar's aggregate classification.
Comment: This variant is classified as benign based on ACMG/AMP sequence variant interpretation guidelines (Richards et al. 2015 PMID: 25741868, with internal and published modifications).

Literature cited by the submitters: PubMed 8755917 (cited by Illumina Laboratory Services, Illumina).

NM_000062.2(SERPING1):c.-100C>G

Gene: SERPING1 (serpin family G member 1; plus strand). Cytogenetic location: 11q12.1.
Variant type: single nucleotide variant.
Coding change: c.-100C>G on transcript NM_000062.2; 100 bases upstream of the start codon, C replaced by G.
Genome position (GRCh38, 1-based): chr11:57,597,645, C>G. VCF-style: chr11-57597645-C-G. GRCh37 (hg19) VCF-style: chr11-57365118-C-G.
Identifiers: ClinVar variation 877957 (VCV000877957.9), dbSNP rs578018379, ClinGen allele CA223053312.